The following is an entry in ClinVar:

NM_019066.5(MAGEL2):c.958del (p.Ala320fs)

Gene: MAGEL2 (MAGE family member L2; minus strand). Cytogenetic location: 15q11.2.
Variant type: Deletion.
Coding change: c.958del on transcript NM_019066.5 (MANE Select); coding-DNA position 958, one base deleted (G; older notation c.958delG).
Protein change: p.Ala320fs; shifts the reading frame from alanine 320.
Molecular consequence: frameshift variant.
Genome position (GRCh38, 1-based): chr15:23,646,785, C deleted on the plus strand (G on the coding strand, the reverse complement: MAGEL2 is on the minus strand); the first of 2 consecutive C bases (chr15:23,646,785-23,646,786); deleting either gives the same sequence. VCF-style (leftmost placement, unchanged base first): chr15-23646784-GC-G. GRCh37 (hg19) VCF-style: chr15-23891931-GC-G.
Other names: short protein forms A320fs.
Identifiers: ClinVar variation 4991373 (VCV004991373.1).
Genomic context (GRCh38, chr15:23,646,784, plus strand): 5'-ATTTGCAGGATCAGAGGCTGAGCCTGCGGGGCCCAAGAAGCCATCGGCTGTGCAGGTGGG[GC>G]CATCGGCTGTGCAGGTGGGGCCGCCGGCTGTGCCATCGGTGCTCCTGAAGCTGGAGGCTG-3'

ClinVar aggregate classification (germline): Likely pathogenic (1 of 4 stars; one submission).

Conditions:
MAGEL2-related disorder. Also called: MAGEL2-related condition.

Submission:

PreventionGenetics, part of Exact Sciences
Classification: Likely pathogenic for MAGEL2-related condition. Last evaluated: 2026-07-02. Review status: criteria provided, single submitter. Criteria: ACMG Guidelines, 2015. Collection method: clinical testing. Allele origin: germline.
Comment: The MAGEL2 c.958delG variant is predicted to result in a frameshift and premature protein termination (p.Ala320Profs*17). To our knowledge, this variant has not been reported in the literature or in a large population database (gnomAD), indicating this variant is rare. Frameshift variants in MAGEL2 are expected to be pathogenic. This variant is interpreted as likely pathogenic.